The following is an entry in ClinVar:

NM_004525.3(LRP2):c.11783G>A (p.Cys3928Tyr)

Gene: LRP2 (LDL receptor related protein 2; minus strand). Cytogenetic location: 2q31.1.
Variant type: single nucleotide variant.
Coding change: c.11783G>A on transcript NM_004525.3 (MANE Select); coding-DNA position 11783, G replaced by A.
Protein change: p.Cys3928Tyr; replaces cysteine 3928 with tyrosine.
Molecular consequence: missense variant.
Genome position (GRCh38, 1-based): chr2:169,162,576, C>T on the plus strand (G>A on the coding strand, the complement: LRP2 is on the minus strand). VCF-style: chr2-169162576-C-T. GRCh37 (hg19) VCF-style: chr2-170019086-C-T.
Other names: short protein forms C3928Y.
Identifiers: ClinVar variation 4691329 (VCV004691329.1).

ClinVar aggregate classification (germline): Uncertain significance (1 of 4 stars; one submission).

Submission:

Labcorp Genetics (formerly Invitae), Labcorp
Classification: Uncertain significance. Last evaluated: 2025-08-25. Review status: criteria provided, single submitter. Criteria: Invitae Variant Classification Sherloc (09022015). Collection method: clinical testing. Allele origin: germline.
Comment: This sequence change replaces cysteine, which is neutral and slightly polar, with tyrosine, which is neutral and polar, at codon 3928 of the LRP2 protein (p.Cys3928Tyr). This variant is not present in population databases (gnomAD no frequency). This variant has not been reported in the literature in individuals affected with LRP2-related conditions. Invitae Evidence Modeling of protein sequence and biophysical properties (such as structural, functional, and spatial information, amino acid conservation, physicochemical variation, residue mobility, and thermodynamic stability) indicates that this missense variant is not expected to disrupt LRP2 protein function with a negative predictive value of 80%. In summary, the available evidence is currently insufficient to determine the role of this variant in disease. Therefore, it has been classified as a Variant of Uncertain Significance.